The following is an entry in ClinVar:

ClinVar aggregate classification (germline): Uncertain significance (1 of 4 stars; one submission).

Conditions:
Inborn genetic diseases. Identifiers: MedGen C0950123, MeSH D030342.

Submission:

Ambry Genetics
Classification: Uncertain significance for Inborn genetic diseases. Last evaluated: 2026-05-01. Review status: criteria provided, single submitter. Criteria: Ambry Variant Classification Scheme 2023. Collection method: clinical testing. Allele origin: germline.
Comment: The p.Q1422H variant (also known as c.4266A>C), located in coding exon 1 of the SAMD9L gene, results from an A to C substitution at nucleotide position 4266. The glutamine at codon 1422 is replaced by histidine, an amino acid with highly similar properties. This amino acid position is conserved. In addition, this alteration is predicted to be tolerated by in silico analysis. Based on the available evidence, the clinical significance of this variant remains unclear.

NM_152703.5(SAMD9L):c.4266A>C (p.Gln1422His)

Gene: SAMD9L (sterile alpha motif domain containing 9 like; minus strand). Cytogenetic location: 7q21.2.
Variant type: single nucleotide variant.
Coding change: c.4266A>C on transcript NM_152703.5 (MANE Select); coding-DNA position 4266, A replaced by C.
Protein change: p.Gln1422His; replaces glutamine 1422 with histidine.
Molecular consequence: missense variant.
Genome position (GRCh38, 1-based): chr7:93,131,706, T>G on the plus strand (A>C on the coding strand, the complement: SAMD9L is on the minus strand). VCF-style: chr7-93131706-T-G. GRCh37 (hg19) VCF-style: chr7-92761019-T-G.
Other names: c.4266A>C, p.Gln1422His (NM_001303496.3, NM_001303497.3, NM_001303498.3 and 5 more transcripts); short protein forms Q1422H.
Identifiers: ClinVar variation 4863978 (VCV004863978.1).